The following is an entry in ClinVar:

NM_000263.4(NAGLU):c.1354G>A (p.Glu452Lys)

Gene: NAGLU (N-acetyl-alpha-glucosaminidase; plus strand). Cytogenetic location: 17q21.2.
Variant type: single nucleotide variant.
Coding change: c.1354G>A on transcript NM_000263.4 (MANE Select); coding-DNA position 1354, G replaced by A.
Protein change: p.Glu452Lys; replaces glutamic acid 452 with lysine.
Molecular consequence: missense variant.
Genome position (GRCh38, 1-based): chr17:42,543,360, G>A. VCF-style: chr17-42543360-G-A. GRCh37 (hg19) VCF-style: chr17-40695378-G-A.
Other names: c.1354G>A (NM_000263.3); short protein forms E452K.
Identifiers: ClinVar variation 871076 (VCV000871076.50), dbSNP rs1183634153, ClinGen allele CA399602009.

ClinVar aggregate classification (germline): Pathogenic/Likely pathogenic. Review status: criteria provided, multiple submitters, no conflicts (2 of 4 stars). 5 submissions from 5 submitters: Pathogenic (2); Likely pathogenic (3). Last evaluated 2026-01-11.

Conditions:
NAGLU-related disorder. Also called: NAGLU-related condition.
Mucopolysaccharidosis, MPS-III-B (MPS3B). Also called: SANFILIPPO SYNDROME B; MPS III B; MUCOPOLYSACCHARIDOSIS, TYPE IIIB; MPS IIIB (Sanfilippo Syndrome Type B); N-ACETYL-ALPHA-D-GLUCOSAMINIDASE DEFICIENCY; NAGLU DEFICIENCY. Identifiers: Orphanet 79270, MedGen C0086648, MONDO:0009656, OMIM 252920.
Charcot-Marie-Tooth disease axonal type 2V. Also called: CHARCOT-MARIE-TOOTH DISEASE, AXONAL, AUTOSOMAL DOMINANT, TYPE 2V; CHARCOT-MARIE-TOOTH NEUROPATHY, TYPE 2V. Identifiers: Orphanet 447964, MedGen C5569050, MONDO:0014665, OMIM 616491.

Allele frequency attached by ClinVar (database versions not stated): gnomAD exomes 0.00001.
gnomAD v4.1: 17 of 1,612,522 alleles (0.0011%); highest among the groups gnomAD compares: South Asian, 0.0044%; no homozygotes.

Submissions (5):

Labcorp Genetics (formerly Invitae), Labcorp
Classification: Pathogenic for Charcot-Marie-Tooth disease axonal type 2V; Mucopolysaccharidosis, MPS-III-B. Last evaluated: 2026-01-11. Review status: criteria provided, single submitter. Criteria: Invitae Variant Classification Sherloc (09022015). Collection method: clinical testing. Allele origin: germline.
Comment: This sequence change replaces glutamic acid, which is acidic and polar, with lysine, which is basic and polar, at codon 452 of the NAGLU protein (p.Glu452Lys). This variant is present in population databases (no rsID available, gnomAD 0.02%). This missense change has been observed in individuals with mucopolysaccharidosis type III (PMID: 9950362, 14984474; internal data). ClinVar contains an entry for this variant (Variation ID: 871076). Invitae Evidence Modeling of protein sequence and biophysical properties (such as structural, functional, and spatial information, amino acid conservation, physicochemical variation, residue mobility, and thermodynamic stability) indicates that this missense variant is expected to disrupt NAGLU protein function with a positive predictive value of 95%. For these reasons, this variant has been classified as Pathogenic.

Natera, Inc.
Classification: Likely pathogenic for Mucopolysaccharidosis type IIIB. Last evaluated: 2025-11-12. Review status: criteria provided, single submitter. Criteria: Natera Variant Classification Schema (03/2026). Collection method: clinical testing. Allele origin: germline.
Comment: The c.1354G>A variant in NAGLU is a missense variant predicted to cause substitution of glutamic acid to lysine at amino acid 452. This variant is rare in the general population with a frequency below the threshold expected for the associated phenotype(s). This variant has been observed in one or more individuals affected with the associated recessive disease, as either homozygous or compound heterozygous with a second variant (PMID: 38841321, 41071200, 16151907, 14984474). Computational prediction algorithms indicate this variant is likely to affect gene or protein function. Given the available evidence, this variant is classified as Likely Pathogenic.

Fulgent Genetics
Classification: Likely pathogenic for Mucopolysaccharidosis, MPS-III-B; Charcot-Marie-Tooth disease axonal type 2V. Last evaluated: 2024-04-03. Review status: criteria provided, single submitter. Criteria: ACMG Guidelines, 2015. Collection method: clinical testing. Allele origin: germline.

Blueprint Genetics
Classification: Likely pathogenic for NAGLU-related disorders. Last evaluated: 2022-02-09. Review status: criteria provided, single submitter. Criteria: ACMG Guidelines, 2015. Collection method: clinical testing. Allele origin: germline. Affected: yes. Observed: 2 variant alleles.

CeGaT Center for Human Genetics Tuebingen
Classification: Pathogenic. Last evaluated: 2018-05-01. Review status: criteria provided, single submitter. Criteria: CeGaT Center For Human Genetics Tuebingen Variant Classification Criteria Version 2. Collection method: clinical testing. Allele origin: germline. Affected: yes. Observed: 2 variant alleles.

Literature cited by the submitters: PubMed 9950362 (cited by Labcorp Genetics (formerly Invitae), Labcorp); PubMed 14984474 (cited by Labcorp Genetics (formerly Invitae), Labcorp and Natera, Inc.); PubMed 38841321 (cited by Natera, Inc.); PubMed 41071200 (cited by Natera, Inc.); PubMed 16151907 (cited by Natera, Inc.).